The following is an entry in ClinVar:

ClinVar aggregate classification (germline): Uncertain significance (1 of 4 stars; one submission).

Conditions:
Immunodeficiency 39 (IMD39). Identifiers: Orphanet 574918, MedGen C4225358, MONDO:0014597, OMIM 616345.

Submission:

Labcorp Genetics (formerly Invitae), Labcorp
Classification: Uncertain significance for Immunodeficiency 39. Last evaluated: 2024-06-13. Review status: criteria provided, single submitter. Criteria: Invitae Variant Classification Sherloc (09022015). Collection method: clinical testing. Allele origin: germline.
Comment: This sequence change creates a premature translational stop signal (p.Pro377Hisfs*88) in the IRF7 gene. While this is not anticipated to result in nonsense mediated decay, it is expected to disrupt the last 140 amino acid(s) of the IRF7 protein. This variant is not present in population databases (gnomAD no frequency). This variant has not been reported in the literature in individuals affected with IRF7-related conditions. Experimental studies and prediction algorithms are not available or were not evaluated, and the functional significance of this variant is currently unknown. In summary, the available evidence is currently insufficient to determine the role of this variant in disease. Therefore, it has been classified as a Variant of Uncertain Significance.

NM_001572.5(IRF7):c.1089del (p.Pro364fs)

Gene: IRF7 (interferon regulatory factor 7; minus strand). Cytogenetic location: 11p15.5.
Variant type: Deletion.
Coding change: c.1089del on transcript NM_001572.5 (MANE Select); coding-DNA position 1089, one base deleted (G; older notation c.1089delG).
Protein change: p.Pro364fs; shifts the reading frame from proline 364.
Molecular consequence: frameshift variant.
Genome position (GRCh38, 1-based): chr11:613,354, C deleted on the plus strand (G on the coding strand, the reverse complement: IRF7 is on the minus strand); the first of 5 consecutive C bases (chr11:613,354-613,358); deleting any one gives the same sequence. VCF-style (leftmost placement, unchanged base first): chr11-613353-GC-G. GRCh37 (hg19) VCF-style: chr11-613353-GC-G.
Other names: c.1002del, p.Pro335fs (NM_004029.4); c.1128del, p.Pro377fs (NM_004031.4); short protein forms P364fs, P377fs, P335fs.
Identifiers: ClinVar variation 3656516 (VCV003656516.2).
Genomic context (GRCh38, chr11:613,353, plus strand): 5'-GGGGTCCGCCCACCTCCCAGTACACCTTGCACTTGCCCATGCGCCGGGCCCACAGCTGTG[GC>G]CCCCGAAGCTCCAGGTGCAACCCAGGGGCCACGTGCCGCAGCAGTTCCTCCGTGTAGCGC-3'